The following is an entry in ClinVar:

NM_000487.6(ARSA):c.-131G>A

Gene: ARSA (arylsulfatase A; minus strand). Cytogenetic location: 22q13.33.
Variant type: single nucleotide variant.
Coding change: c.-131G>A on transcript NM_000487.6 (MANE Select); 131 bases upstream of the start codon, G replaced by A.
Molecular consequence: 5 prime UTR variant. On other transcripts: intron variant (4).
Genome position (GRCh38, 1-based): chr22:50,627,910, C>T on the plus strand (G>A on the coding strand, the complement: ARSA is on the minus strand). VCF-style: chr22-50627910-C-T. GRCh37 (hg19) VCF-style: chr22-51066338-C-T.
Other names: c.-26G>A (NM_001085425.3); c.-35+81G>A (NM_001362782.2); c.-14+81G>A (NM_001085427.3); c.-35+36G>A (NM_001085428.3); c.-14+36G>A (NM_001085426.3).
Identifiers: ClinVar variation 342243 (VCV000342243.7), dbSNP rs551316995, ClinGen allele CA10654226.
Genomic context (GRCh38, chr22:50,627,910, plus strand): 5'-CCCAGGCGCCGCCCTTCCCTGAGACCCCGGACCCAAATACTCCCCGACCCTGACGGCCGC[C>T]TCCTGAAGCTCCAGAGGGCCGGGGCCCGACAGTACCGGGAGACCGCGGGCTGGGACGGAA-3'

ClinVar aggregate classification (germline): Uncertain significance. Review status: criteria provided, single submitter (1 of 4 stars). 2 submissions from 2 submitters: Uncertain significance (1). 1 of the submissions does not count toward it. Last evaluated 2018-01-13.

Conditions:
ARSA-related disorder. Also called: ARSA-related condition.
Metachromatic leukodystrophy (MLD). Also called: ARSA DEFICIENCY; CEREBROSIDE SULFATASE DEFICIENCY; METACHROMATIC LEUKOENCEPHALOPATHY; SULFATIDE LIPIDOSIS; Cerebral sclerosis diffuse metachromatic form; Arylsulfatase A Deficiency. Identifiers: Orphanet 512, MedGen C0023522, MONDO:0018868, OMIM 250100.

Allele frequency attached by ClinVar (database versions not stated): gnomAD exomes 0.00010; 1000 Genomes Project 0.00020; 1000 Genomes Project 30x 0.00047; gnomAD 0.00056 and 0.00061; TOPMed 0.00082.

Submissions (2):

Illumina Laboratory Services, Illumina
Classification: Uncertain significance for Metachromatic leukodystrophy. Last evaluated: 2018-01-13. Review status: criteria provided, single submitter. Criteria: ICSL Variant Classification Criteria 13 December 2019. Collection method: clinical testing. Allele origin: germline.

PreventionGenetics, part of Exact Sciences
Classification: Likely benign for ARSA-related condition. Last evaluated: 2023-01-26. Review status: no assertion criteria provided. Collection method: clinical testing. Allele origin: germline. Not counted in ClinVar's aggregate classification.
Comment: This variant is classified as likely benign based on ACMG/AMP sequence variant interpretation guidelines (Richards et al. 2015 PMID: 25741868, with internal and published modifications).